The following is an entry in ClinVar:

ClinVar aggregate classification (germline): Benign (1 of 4 stars; one submission).

Allele frequency attached by ClinVar (database versions not stated): gnomAD 0.51796 and 0.51011; TOPMed 0.50743; 1000 Genomes Project 30x 0.55497; 1000 Genomes Project 0.56410.
gnomAD v4.1: 78,957 of 152,046 alleles (52%); highest among the groups gnomAD compares: East Asian, 85%; 21,993 homozygotes.

Submissions (6):

GeneDx
Classification: Benign. Last evaluated: 2018-06-19. Review status: criteria provided, single submitter. Criteria: GeneDx Variant Classification (06012015). Collection method: clinical testing. Allele origin: germline. Affected: yes.
Comment: This variant is considered likely benign or benign based on one or more of the following criteria: it is a conservative change, it occurs at a poorly conserved position in the protein, it is predicted to be benign by multiple in silico algorithms, and/or has population frequency not consistent with disease.

Dr. Peter K. Rogan Lab, Western University
No classification provided (evidence only). Condition: Uterine carcinosarcoma. Review status: no classification provided. Collection method: in vitro. Allele origin: not applicable. Functional consequence: retained intron. Not counted in ClinVar's aggregate classification.

Dr. Peter K. Rogan Lab, Western University
No classification provided (evidence only). Condition: Uterine carcinosarcoma. Review status: no classification provided. Collection method: in vitro. Allele origin: not applicable. Functional consequence: retained intron. Not counted in ClinVar's aggregate classification.

Dr. Peter K. Rogan Lab, Western University
No classification provided (evidence only). Condition: Uterine carcinosarcoma. Review status: no classification provided. Collection method: in vitro. Allele origin: not applicable. Functional consequence: retained intron. Not counted in ClinVar's aggregate classification.

Dr. Peter K. Rogan Lab, Western University
No classification provided (evidence only). Condition: Uterine carcinosarcoma. Review status: no classification provided. Collection method: in vitro. Allele origin: not applicable. Functional consequence: skipped exon. Not counted in ClinVar's aggregate classification.

Dr. Peter K. Rogan Lab, Western University
No classification provided (evidence only). Condition: Cholangiocarcinoma. Review status: no classification provided. Collection method: in vitro. Allele origin: not applicable. Functional consequence: retained intron. Not counted in ClinVar's aggregate classification.

NM_002291.3(LAMB1):c.5065-173T>G

Gene: LAMB1 (laminin subunit beta 1; minus strand). Cytogenetic location: 7q31.1.
Variant type: single nucleotide variant.
Coding change: c.5065-173T>G on transcript NM_002291.3 (MANE Select); 173 bases into the intron before coding-DNA position 5065, T replaced by G.
Molecular consequence: intron variant.
Genome position (GRCh38, 1-based): chr7:107,924,562, A>C on the plus strand (T>G on the coding strand, the complement: LAMB1 is on the minus strand). VCF-style: chr7-107924562-A-C. GRCh37 (hg19) VCF-style: chr7-107565007-A-C.
Other names: NC_000007.13:g.107565007A>C.
Identifiers: ClinVar variation 682993 (VCV000682993.2), dbSNP rs7797759, ClinGen allele CA15496585.
Genomic context (GRCh38, chr7:107,924,562, plus strand): 5'-TTCACTGGTAAGTAATTTAAAATTTTATCTTCAAACAGTGGAATTGAATGCAAAATTGAC[A>C]TGATTTTAAAGAACATTTCAAAAAATTCTGGAGTTGCAGCAAATCCTTAGGGCTAAGTCC-3'